The following is an entry in ClinVar:

ClinVar aggregate classification (germline): Likely benign (1 of 4 stars; one submission).

Submission:

CeGaT Center for Human Genetics Tuebingen
Classification: Likely benign. Last evaluated: 2025-05-01. Review status: criteria provided, single submitter. Criteria: CeGaT Center For Human Genetics Tuebingen Variant Classification Criteria Version 2. Collection method: clinical testing. Allele origin: germline. Affected: yes. Observed: 1 variant allele.
Comment: ZNF699: BP4, BP7

NM_198535.3(ZNF699):c.1494C>T (p.Ser498=)

Gene: ZNF699 (zinc finger protein 699; minus strand). Cytogenetic location: 19p13.2.
Variant type: single nucleotide variant.
Coding change: c.1494C>T on transcript NM_198535.3 (MANE Select); coding-DNA position 1494, C replaced by T.
Protein change: p.Ser498=; no amino-acid change (serine 498 retained).
Molecular consequence: synonymous variant.
Genome position (GRCh38, 1-based): chr19:9,295,910, G>A on the plus strand (C>T on the coding strand, the complement: ZNF699 is on the minus strand). VCF-style: chr19-9295910-G-A. GRCh37 (hg19) VCF-style: chr19-9406586-G-A.
Identifiers: ClinVar variation 3904993 (VCV003904993.10).
Genomic context (GRCh38, chr19:9,295,910, plus strand): 5'-AAGGTGGGAGGAACTAATAAAGGCTTTCCCACATTCTTTACATTCATACGGCTTCTCTCC[G>A]CTGTGAGTTCTTAGGTGTTCGGTGAGGGATGAGGAACGACTAAAGGTCTTCCCACACTCC-3'
Protein context (NP_940937.1, residues 488-508): SSLTEHLRTH[Ser498=]GEKPYECKEC